The following is an entry in ClinVar:

ClinVar aggregate classification (germline): Pathogenic/Likely pathogenic. Review status: criteria provided, multiple submitters, no conflicts (2 of 4 stars). 13 submissions from 13 submitters: Pathogenic (7); Likely pathogenic (5). 1 of the submissions does not count toward it. Last evaluated 2025-03-16.

Conditions:
POMT1-related disorder. Also called: POMT1-related condition; POMT1-related disorders.
Autosomal recessive limb-girdle muscular dystrophy type 2K. Also called: MUSCULAR DYSTROPHY-DYSTROGLYCANOPATHY (LIMB-GIRDLE), TYPE C, 1; MUSCULAR DYSTROPHY, LIMB-GIRDLE, TYPE 2K. Identifiers: Orphanet 86812, MedGen C1836373, MONDO:0012248, OMIM 609308.
Muscular dystrophy-dystroglycanopathy (congenital with impaired intellectual development), type B, 1. Also called: MUSCULAR DYSTROPHY, CONGENITAL, POMT1-RELATED; Muscular dystrophy-dystroglycanopathy (congenital with intellectual disability), type B1. Identifiers: MedGen C5436962, MONDO:0013159, OMIM 613155.
Walker-Warburg congenital muscular dystrophy. Also called: Muscular dystrophy-dystroglycanopathy, type A; Walker-Warburg syndrome. Identifiers: Orphanet 899, MedGen C0265221, MONDO:0000171.
Autosomal recessive limb-girdle muscular dystrophy. Identifiers: Orphanet 102015, MedGen C2931907, MONDO:0015152.
Abnormality of the nervous system. Also called: Congenital nervous system disorder. Identifiers: MedGen C0497552, MONDO:0002320, HP:0000707.
Muscular dystrophy-dystroglycanopathy (congenital with brain and eye anomalies), type A1 (MDDGA1). Also called: Muscular dystrophy-dystroglycanopathy (congenital with brain and eye anomalies), type A, 1; Hydrocephalus, agyria and retinal dysplasia; Hard +/- E syndrome; Warburg syndrome; Chemke syndrome; Pagon syndrome. Identifiers: Orphanet 588, Orphanet 899, MedGen C4284790, MONDO:0009364, OMIM 236670.

Allele frequency attached by ClinVar (database versions not stated): ExAC 0.00002; gnomAD exomes 0.00001.
gnomAD v4.1: 8 of 1,614,224 alleles (0.0005%); highest among the groups gnomAD compares: Non-Finnish European, 0.00042%; no homozygotes.

Submissions (13):

Labcorp Genetics (formerly Invitae), Labcorp
Classification: Pathogenic for Muscular dystrophy-dystroglycanopathy (congenital with impaired intellectual development), type B, 1; Walker-Warburg congenital muscular dystrophy; Autosomal recessive limb-girdle muscular dystrophy type 2K. Last evaluated: 2025-03-16. Review status: criteria provided, single submitter. Criteria: Invitae Variant Classification Sherloc (09022015). Collection method: clinical testing. Allele origin: germline.
Comment: This sequence change replaces alanine, which is neutral and non-polar, with proline, which is neutral and non-polar, at codon 200 of the POMT1 protein (p.Ala200Pro). This variant is present in population databases (rs119462982, gnomAD 0.002%). This missense change has been observed in individual(s) with clinical features of muscular dystrophy-dystroglycanopathy (PMID: 15792865, 28097321, 30426380). ClinVar contains an entry for this variant (Variation ID: 3243). Invitae Evidence Modeling of protein sequence and biophysical properties (such as structural, functional, and spatial information, amino acid conservation, physicochemical variation, residue mobility, and thermodynamic stability) has been performed for this missense variant. However, the output from this modeling did not meet the statistical confidence thresholds required to predict the impact of this variant on POMT1 protein function. For these reasons, this variant has been classified as Pathogenic.

CeGaT Center for Human Genetics Tuebingen
Classification: Pathogenic. Last evaluated: 2024-11-01. Review status: criteria provided, single submitter. Criteria: CeGaT Center For Human Genetics Tuebingen Variant Classification Criteria Version 2. Collection method: clinical testing. Allele origin: germline. Affected: yes. Observed: 2 variant alleles.
Comment: POMT1: PM3:Very Strong, PM2

Baylor Genetics
Classification: Likely pathogenic for Muscular dystrophy-dystroglycanopathy (congenital with brain and eye anomalies), type A1. Last evaluated: 2024-01-22. Review status: criteria provided, single submitter. Criteria: ACMG Guidelines, 2015. Collection method: clinical testing. Allele origin: unknown.

Laboratory of Medical Genetics, National & Kapodistrian University of Athens
Classification: Pathogenic for Autosomal recessive limb-girdle muscular dystrophy type 2K. Last evaluated: 2024-01-03. Review status: criteria provided, single submitter. Criteria: ACMG Guidelines, 2015. Collection method: clinical testing. Allele origin: germline. Affected: yes.
Comment: PM2, PM3, PP3, PP5 - Low frequency in gnomAD population databases. In silico prediction tools estimated that the variant could be damaging for the protein function/stracture. This variant has been previously reported as causative for Muscular dystrophy. (PMID:31311558).

Women's Health and Genetics/Laboratory Corporation of America, LabCorp
Classification: Pathogenic for Autosomal recessive limb-girdle muscular dystrophy. Last evaluated: 2023-05-03. Review status: criteria provided, single submitter. Criteria: LabCorp Variant Classification Summary - May 2015. Collection method: clinical testing. Allele origin: germline.
Comment: Variant summary: POMT1 c.598G>C (p.Ala200Pro) results in a non-conservative amino acid change located in the Glycosyl transferase family 39/83 domain (IPR003342) of the encoded protein sequence. Five of five in-silico tools predict a damaging effect of the variant on protein function. The variant allele was found at a frequency of 8e-06 in 251496 control chromosomes (gnomAD). c.598G>C has been reported in the literature in multiple homozygous individuals affected with Limb-Girdle Muscular Dystrophy, Autosomal Recessive (Geis_2019). These data indicate that the variant is very likely to be associated with disease. The following publication has been ascertained in the context of this evaluation (PMID: 31311558). Six clinical diagnostic laboratories have submitted clinical-significance assessments for this variant to ClinVar after 2014 and all classified the variant as pathogenic/likely pathogenic. Based on the evidence outlined above, the variant was classified as pathogenic.

Department of Pathology and Laboratory Medicine, Sinai Health System
Classification: Likely pathogenic for Autosomal recessive limb-girdle muscular dystrophy type 2K; Muscular dystrophy-dystroglycanopathy (congenital with impaired intellectual development), type B, 1; Muscular dystrophy-dystroglycanopathy (congenital with brain and eye anomalies), type A1. Last evaluated: 2023-03-13. Review status: criteria provided, single submitter. Criteria: ACMG Guidelines, 2015. Collection method: research. Allele origin: germline.

Revvity Omics, Revvity
Classification: Likely pathogenic. Last evaluated: 2023-03-01. Review status: criteria provided, single submitter. Criteria: ACMG Guidelines, 2015. Collection method: clinical testing. Allele origin: germline.

3billion
Classification: Likely pathogenic for Autosomal recessive limb-girdle muscular dystrophy type 2K. Last evaluated: 2022-01-03. Review status: criteria provided, single submitter. Criteria: ACMG Guidelines, 2015. Collection method: clinical testing. Allele origin: germline. Affected: yes. Observed: 1 homozygote.
Comment: Same nucleotide change resulting in same amino acid change has been previously reported as pathogenic/likely pathogenic with strong evidence (ClinVar ID: VCV000003243, PS1_S). In silico tool predictions suggest damaging effect of the variant on gene or gene product (REVEL: 0.831, PP3_P). It is observed at an extremely low frequency in the gnomAD v2.1.1 dataset (total allele frequency: 0.000008, PM2_M). Therefore, this variant is classified as likely pathogenic according to the recommendation of ACMG/AMP guideline.

Kariminejad - Najmabadi Pathology & Genetics Center
Classification: Pathogenic for Abnormality of the nervous system. Last evaluated: 2021-07-10. Review status: criteria provided, single submitter. Criteria: ACMG Guidelines, 2015. Collection method: clinical testing. Allele origin: germline. Affected: yes.

Blueprint Genetics
Classification: Pathogenic for POMT1-related disorders. Last evaluated: 2021-06-17. Review status: criteria provided, single submitter. Criteria: ACMG Guidelines, 2015. Collection method: clinical testing. Allele origin: germline. Affected: yes. Observed: 3 variant alleles.

Institute of Human Genetics, University of Leipzig Medical Center
Classification: Likely pathogenic for Muscular dystrophy-dystroglycanopathy (congenital with impaired intellectual development), type B, 1. Last evaluated: 2020-03-01. Review status: criteria provided, single submitter. Criteria: ACMG Guidelines, 2015. Collection method: clinical testing. Allele origin: biparental. Inheritance: Autosomal recessive inheritance. Affected: yes.
Comment: Review of the variants reported in Reuter et al., 2017, PMID: 28097321: PS4_Moderate,PM2,PM3

Eurofins Ntd Llc (ga)
Classification: Pathogenic. Last evaluated: 2015-02-27. Review status: criteria provided, single submitter. Criteria: EGL Classification Definitions 2015. Collection method: clinical testing. Allele origin: germline. Observed: 1 variant allele, 1 homozygote.

OMIM
Classification: Pathogenic for MUSCULAR DYSTROPHY-DYSTROGLYCANOPATHY (LIMB-GIRDLE), TYPE C, 1. Last evaluated: 2005-04-01. Review status: no assertion criteria provided. Collection method: literature only. Allele origin: germline. Not counted in ClinVar's aggregate classification.

Literature cited by the submitters: PubMed 15792865 (cited by 3 submitters); PubMed 28097321 (cited by Labcorp Genetics (formerly Invitae), Labcorp); PubMed 30426380 (cited by Labcorp Genetics (formerly Invitae), Labcorp); PubMed 31311558 (cited by Women's Health and Genetics/Laboratory Corporation of America, LabCorp); PubMed 17878207 (cited by Eurofins Ntd Llc (ga)); PubMed 14678799 (cited by OMIM).

NM_001077365.2(POMT1):c.598G>C (p.Ala200Pro)

Gene: POMT1 (protein O-mannosyltransferase 1; plus strand). Cytogenetic location: 9q34.13.
Variant type: single nucleotide variant.
Coding change: c.598G>C on transcript NM_001077365.2 (MANE Select); coding-DNA position 598, G replaced by C.
Protein change: p.Ala200Pro; replaces alanine 200 with proline.
Molecular consequence: missense variant. On other transcripts: non-coding transcript variant (10).
Genome position (GRCh38, 1-based): chr9:131,509,801, G>C. VCF-style: chr9-131509801-G-C. GRCh37 (hg19) VCF-style: chr9-134385188-G-C.
Other names: c.436G>C, p.Ala146Pro (NM_001077366.2, NM_001353194.2, NM_001353197.2 and 3 more transcripts); c.598G>C, p.Ala200Pro (NM_001136113.2, NM_001353193.2, NM_001374690.1 and 1 more transcripts); c.247G>C, p.Ala83Pro (NM_001136114.2, NM_001353195.2, NM_001353199.2 and 2 more transcripts); c.508G>C, p.Ala170Pro (NM_001353196.2); c.142G>C, p.Ala48Pro (NM_001353200.2, NM_001374695.1); c.598G>C (NM_007171.3); short protein forms A200P, A170P, A48P, A146P, A83P.
Identifiers: ClinVar variation 3243 (VCV000003243.78), dbSNP rs119462982, ClinGen allele CA203493.
Genomic context (GRCh38, chr9:131,509,801, plus strand): 5'-AGCCCTTTTTCTCTGAGCTGGTGGTTCTGGCTAACACTGACAGGGGTCGCTTGTTCCTGT[G>C]CAGTGGGGTGAGTTTGAGCCTCTGGTCTTGGGCAGTGTCCTCCTCCATCTCCTTATGTTT-3'
Protein context (NP_001070833.1, residues 190-210): LTLTGVACSC[Ala200Pro]VGIKYMGVFT